The following is an entry in ClinVar:

NM_004565.3(PEX14):c.*6C>T

Gene: PEX14 (peroxisomal biogenesis factor 14; plus strand). Cytogenetic location: 1p36.22.
Variant type: single nucleotide variant.
Coding change: c.*6C>T on transcript NM_004565.3 (MANE Select); 6 bases downstream of the stop codon, C replaced by T.
Molecular consequence: 3 prime UTR variant.
Genome position (GRCh38, 1-based): chr1:10,629,993, C>T. VCF-style: chr1-10629993-C-T. GRCh37 (hg19) VCF-style: chr1-10690050-C-T.
Identifiers: ClinVar variation 3350313 (VCV003350313.1).

ClinVar aggregate classification (germline): Likely benign (0 of 4 stars; one submission).

Conditions:
PEX14-related disorder. Also called: PEX14-related condition.

gnomAD v4.1: 284 of 1,607,690 alleles (0.018%); highest among the groups gnomAD compares: Non-Finnish European, 0.023%; no homozygotes.

Submission:

PreventionGenetics, part of Exact Sciences
Classification: Likely benign for PEX14-related condition. Last evaluated: 2024-04-26. Review status: no assertion criteria provided. Collection method: clinical testing. Allele origin: germline.
Comment: This variant is classified as likely benign based on ACMG/AMP sequence variant interpretation guidelines (Richards et al. 2015 PMID: 25741868, with internal and published modifications).